The following is an entry in ClinVar:

NM_001845.6(COL4A1):c.4001_4002delinsGC (p.Gln1334Arg)

Gene: COL4A1 (collagen type IV alpha 1 chain; minus strand). Cytogenetic location: 13q34.
Variant type: Indel.
Coding change: c.4001_4002delinsGC on transcript NM_001845.6 (MANE Select); coding-DNA positions 4001 to 4002, AA replaced by GC.
Protein change: p.Gln1334Arg; replaces glutamine 1334 with arginine.
Molecular consequence: missense variant.
Genome position (GRCh38, 1-based): chr13:110,166,251-110,166,252, TT replaced by GC on the plus strand (AA replaced by GC on the coding strand, the reverse complement: COL4A1 is on the minus strand). VCF-style: chr13-110166251-TT-GC. GRCh37 (hg19) VCF-style: chr13-110818598-TT-GC.
Other names: c.4001_4002delinsGC (NM_001845.5); short protein forms Q1334R.
Identifiers: ClinVar variation 2430627 (VCV002430627.8), dbSNP rs2501749725, ClinGen allele CA2580087214.

ClinVar aggregate classification (germline): Uncertain significance. Review status: criteria provided, multiple submitters, no conflicts (2 of 4 stars). 4 submissions from 4 submitters: Uncertain significance (4). Last evaluated 2025-11-15.

Conditions:
COL4A1-related disorder. Also called: COL4A1-related condition; COL4A1-related disorders. Identifiers: MedGen CN376119, MONDO:0800461.

Submissions (4):

Labcorp Genetics (formerly Invitae), Labcorp
Classification: Uncertain significance. Last evaluated: 2025-11-15. Review status: criteria provided, single submitter. Criteria: Invitae Variant Classification Sherloc (09022015). Collection method: clinical testing. Allele origin: germline.
Comment: This sequence change replaces glutamine, which is neutral and polar, with arginine, which is basic and polar, at codon 1334 of the COL4A1 protein (p.Gln1334Arg). The frequency data for this variant in the population databases is considered unreliable, as metrics indicate poor data quality at this position in the gnomAD database. This variant has not been reported in the literature in individuals affected with COL4A1-related conditions. ClinVar contains an entry for this variant (Variation ID: 2430627). An algorithm developed to predict the effect of missense changes on protein structure and function (PolyPhen-2) suggests that this variant is likely to be tolerated. In summary, the available evidence is currently insufficient to determine the role of this variant in disease. Therefore, it has been classified as a Variant of Uncertain Significance.

Revvity Omics, Revvity
Classification: Uncertain significance. Last evaluated: 2025-06-04. Review status: criteria provided, single submitter. Criteria: ACMG Guidelines, 2015. Collection method: clinical testing. Allele origin: germline.

PreventionGenetics, part of Exact Sciences
Classification: Uncertain significance for COL4A1-related condition. Last evaluated: 2024-11-20. Review status: criteria provided, single submitter. Criteria: ACMG Guidelines, 2015. Collection method: clinical testing. Allele origin: germline.
Comment: The COL4A1 c.4001_4002delinsGC variant is predicted to result in an in-frame deletion and insertion. To our knowledge, this variant has not been reported in the literature. This variant is reported in 0.0044% of alleles in individuals of European (non-Finnish) descent in gnomAD. At this time, the clinical significance of this variant is uncertain due to the absence of conclusive functional and genetic evidence.

GeneDx
Classification: Uncertain significance. Last evaluated: 2023-02-21. Review status: criteria provided, single submitter. Criteria: GeneDx Variant Classification Process June 2021. Collection method: clinical testing. Allele origin: germline. Affected: yes.
Comment: Has not been previously published as pathogenic or benign to our knowledge; Not observed at significant frequency in large population cohorts (gnomAD); In silico analysis supports that this variant does not alter protein structure/function; Occurs in the triple helical domain at the Y position in the canonical Gly-X-Y repeat; although this variant may have an effect on normal protein folding and function, missense substitution at the Y position is not a common mechanism of disease